The following is an entry in ClinVar:

NM_004393.6(DAG1):c.2051A>G (p.Asp684Gly)

Gene: DAG1 (dystroglycan 1; plus strand). Cytogenetic location: 3p21.31.
Variant type: single nucleotide variant.
Coding change: c.2051A>G on transcript NM_004393.6 (MANE Select); coding-DNA position 2051, A replaced by G.
Protein change: p.Asp684Gly; replaces aspartic acid 684 with glycine.
Molecular consequence: missense variant.
Genome position (GRCh38, 1-based): chr3:49,532,562, A>G. VCF-style: chr3-49532562-A-G. GRCh37 (hg19) VCF-style: chr3-49569995-A-G.
Other names: c.2051A>G, p.Asp684Gly (NM_001165928.4, NM_001177634.3, NM_001177635.3 and 9 more transcripts); c.2051A>G (NM_004393.4); short protein forms D684G.
Identifiers: ClinVar variation 1489364 (VCV001489364.7), dbSNP rs2051388402, ClinGen allele CA352796706.

ClinVar aggregate classification (germline): Uncertain significance. Review status: criteria provided, multiple submitters, no conflicts (2 of 4 stars). 2 submissions from 2 submitters: Uncertain significance (2). Last evaluated 2025-03-09.

Conditions:
Inborn genetic diseases. Identifiers: MedGen C0950123, MeSH D030342.
Autosomal recessive limb-girdle muscular dystrophy type 2P. Also called: MUSCULAR DYSTROPHY-DYSTROGLYCANOPATHY, LIMB-GIRDLE, DAG1-RELATED; MUSCULAR DYSTROPHY, LIMB-GIRDLE, TYPE 2P; Limb-Girdle Muscular Dystrophy Type 9C. Identifiers: Orphanet 280333, MedGen C4511963, MONDO:0013440, OMIM 613818.
Muscular dystrophy-dystroglycanopathy (congenital with brain and eye anomalies), type A9. Also called: WALKER-WARBURG SYNDROME OR MUSCLE-EYE BRAIN DISEASE, DAG1-RELATED; Muscular dystrophy-dystroglycanopathy (congenital with brain and eye anomalies), type a, 9. Identifiers: Orphanet 370997, Orphanet 899, MedGen C4225291, MONDO:0014683, OMIM 616538.

Allele frequency attached by ClinVar (database versions not stated): gnomAD 0.00001.
gnomAD v4.1: 2 of 1,612,572 alleles (0.00012%); highest among the groups gnomAD compares: South Asian, 0.0022%; no homozygotes.

Submissions (2):

Ambry Genetics
Classification: Uncertain significance for Inborn genetic diseases. Last evaluated: 2025-03-09. Review status: criteria provided, single submitter. Criteria: Ambry Variant Classification Scheme 2023. Collection method: clinical testing. Allele origin: germline.

Labcorp Genetics (formerly Invitae), Labcorp
Classification: Uncertain significance for Autosomal recessive limb-girdle muscular dystrophy type 2P; Muscular dystrophy-dystroglycanopathy (congenital with brain and eye anomalies), type A9. Last evaluated: 2024-03-07. Review status: criteria provided, single submitter. Criteria: Invitae Variant Classification Sherloc (09022015). Collection method: clinical testing. Allele origin: germline.
Comment: This sequence change replaces aspartic acid, which is acidic and polar, with glycine, which is neutral and non-polar, at codon 684 of the DAG1 protein (p.Asp684Gly). This variant is not present in population databases (gnomAD no frequency). This variant has not been reported in the literature in individuals affected with DAG1-related conditions. ClinVar contains an entry for this variant (Variation ID: 1489364). Advanced modeling of protein sequence and biophysical properties (such as structural, functional, and spatial information, amino acid conservation, physicochemical variation, residue mobility, and thermodynamic stability) performed at Invitae indicates that this missense variant is not expected to disrupt DAG1 protein function with a negative predictive value of 80%. In summary, the available evidence is currently insufficient to determine the role of this variant in disease. Therefore, it has been classified as a Variant of Uncertain Significance.